The following is an entry in ClinVar:

NM_000321.3(RB1):c.922T>C (p.Ser308Pro)

Gene: RB1 (RB transcriptional corepressor 1; plus strand). Cytogenetic location: 13q14.2.
Variant type: single nucleotide variant.
Coding change: c.922T>C on transcript NM_000321.3 (MANE Select); coding-DNA position 922, T replaced by C.
Protein change: p.Ser308Pro; replaces serine 308 with proline.
Molecular consequence: missense variant.
Genome position (GRCh38, 1-based): chr13:48,364,954, T>C. VCF-style: chr13-48364954-T-C. GRCh37 (hg19) VCF-style: chr13-48939090-T-C.
Other names: c.922T>C, p.Ser308Pro (NM_001407165.1, NM_001407166.1); short protein forms S308P.
Identifiers: ClinVar variation 2820309 (VCV002820309.4), dbSNP rs2542185212, ClinGen allele CA388160043.

ClinVar aggregate classification (germline): Uncertain significance. Review status: criteria provided, multiple submitters, no conflicts (2 of 4 stars). 2 submissions from 2 submitters: Uncertain significance (2). Last evaluated 2025-10-27.

Conditions:
Hereditary cancer-predisposing syndrome. Also called: Neoplastic Syndromes, Hereditary; Tumor predisposition; Hereditary Cancer Syndrome; Hereditary neoplastic syndrome. Identifiers: Orphanet 140162, MedGen C0027672, MeSH D009386, MONDO:0015356.
Retinoblastoma (RB1). Also called: RETINOBLASTOMA, SOMATIC. Identifiers: Orphanet 790, MedGen C0035335, MeSH D012175, MONDO:0008380, OMIM 180200, HP:0009919. Disease mechanism: loss of function. Inheritance: Both sporadic and heritable forms are tested..

Allele frequency attached by ClinVar (database versions not stated): gnomAD exomes below 0.00001.
gnomAD v4.1: 1 of 1,572,234 alleles (0.000064%); highest among the groups gnomAD compares: Non-Finnish European, 0.000087%; no homozygotes.

Submissions (2):

Ambry Genetics
Classification: Uncertain significance for Hereditary cancer-predisposing syndrome. Last evaluated: 2025-10-27. Review status: criteria provided, single submitter. Criteria: Ambry Variant Classification Scheme 2023. Collection method: clinical testing. Allele origin: germline.
Comment: The p.S308P variant (also known as c.922T>C), located in coding exon 9 of the RB1 gene, results from a T to C substitution at nucleotide position 922. The serine at codon 308 is replaced by proline, an amino acid with similar properties. This amino acid position is conserved. In addition, the in silico prediction for this alteration is inconclusive. Based on the available evidence, the clinical significance of this variant remains unclear.

Labcorp Genetics (formerly Invitae), Labcorp
Classification: Uncertain significance for Retinoblastoma. Last evaluated: 2022-12-12. Review status: criteria provided, single submitter. Criteria: Invitae Variant Classification Sherloc (09022015). Collection method: clinical testing. Allele origin: germline.
Comment: In summary, the available evidence is currently insufficient to determine the role of this variant in disease. Therefore, it has been classified as a Variant of Uncertain Significance. Advanced modeling of protein sequence and biophysical properties (such as structural, functional, and spatial information, amino acid conservation, physicochemical variation, residue mobility, and thermodynamic stability) performed at Invitae indicates that this missense variant is not expected to disrupt RB1 protein function. This variant has not been reported in the literature in individuals affected with RB1-related conditions. This variant is not present in population databases (gnomAD no frequency). This sequence change replaces serine, which is neutral and polar, with proline, which is neutral and non-polar, at codon 308 of the RB1 protein (p.Ser308Pro).